The following is an entry in ClinVar:

ClinVar aggregate classification (germline): Likely pathogenic (1 of 4 stars; one submission).

Conditions:
Autosomal recessive limb-girdle muscular dystrophy type 2B (LGMDR2). Also called: MUSCULAR DYSTROPHY, LIMB-GIRDLE, TYPE 3; MUSCULAR DYSTROPHY, LIMB-GIRDLE, AUTOSOMAL RECESSIVE 2; Limb-Girdle Muscular Dystrophy Type 2B (LGMD2B); Limb-girdle muscular dystrophy, type 2B. Identifiers: Orphanet 268, MedGen C1850889, MONDO:0009676, OMIM 253601.

Submission:

Natera, Inc.
Classification: Likely pathogenic for Limb-girdle muscular dystrophy type 2B. Last evaluated: 2025-11-06. Review status: criteria provided, single submitter. Criteria: Natera Variant Classification Schema (03/2026). Collection method: clinical testing. Allele origin: germline.
Comment: The c.1178_1179insCTCTGCA variant in DYSF is a frameshift variant predicted to shift the reading frame beginning at codon 393 and leads to a stop codon 21 codons downstream. This variant is expected to result in nonsense mediated decay, truncation, or a dysfunctional protein product. This variant is rare in the general population with a frequency below the threshold expected for the associated phenotype(s). Given the available evidence, this variant is classified as Likely Pathogenic.

NM_001130987.2(DYSF):c.1274_1275insCTCTGCA (p.Gln425fs)

Gene: DYSF (dysferlin; plus strand). Cytogenetic location: 2p13.2.
Variant type: Insertion.
Coding change: c.1274_1275insCTCTGCA on transcript NM_001130987.2 (MANE Select); coding-DNA positions 1274 to 1275, CTCTGCA inserted.
Protein change: p.Gln425fs; shifts the reading frame from glutamine 425.
Molecular consequence: frameshift variant.
Genome position: GRCh38 VCF-style: chr2-71526341-C-CGCACTCT. GRCh37 (hg19) VCF-style: chr2-71753471-C-CGCACTCT.
Other names: c.1181_1182insCTCTGCA, p.Gln394fs (NM_001130455.2, NM_001130983.2, NM_001130984.2 and 1 more transcripts); c.1178_1179insCTCTGCA, p.Gln393fs (NM_001130976.2, NM_001130977.2, NM_001130978.2 and 1 more transcripts); c.1271_1272insCTCTGCA, p.Gln424fs (NM_001130979.2, NM_001130980.2, NM_001130981.2); c.1274_1275insCTCTGCA, p.Gln425fs (NM_001130982.2, NM_001130985.2); short protein forms Q393fs, Q394fs, Q424fs, Q425fs.
Identifiers: ClinVar variation 4815124 (VCV004815124.1).